The following is an entry in ClinVar:

NM_000400.4(ERCC2):c.1435G>A (p.Ala479Thr)

Gene: ERCC2 (ERCC excision repair 2, TFIIH core complex helicase subunit; minus strand). Cytogenetic location: 19q13.32.
Variant type: single nucleotide variant.
Coding change: c.1435G>A on transcript NM_000400.4 (MANE Select); coding-DNA position 1435, G replaced by A.
Protein change: p.Ala479Thr; replaces alanine 479 with threonine.
Molecular consequence: missense variant.
Genome position (GRCh38, 1-based): chr19:45,357,314, C>T on the plus strand (G>A on the coding strand, the complement: ERCC2 is on the minus strand). VCF-style: chr19-45357314-C-T. GRCh37 (hg19) VCF-style: chr19-45860572-C-T.
Other names: short protein forms A479T.
Identifiers: ClinVar variation 3231641 (VCV003231641.1), dbSNP rs2514012360, ClinGen allele CA406367079.

ClinVar aggregate classification (germline): Uncertain significance (1 of 4 stars; one submission).

Conditions:
Inborn genetic diseases. Identifiers: MedGen C0950123, MeSH D030342.

Submission:

Ambry Genetics
Classification: Uncertain significance for Inborn genetic diseases. Last evaluated: 2024-03-13. Review status: criteria provided, single submitter. Criteria: Ambry Variant Classification Scheme 2023. Collection method: clinical testing. Allele origin: germline.
Comment: The p.A479T variant (also known as c.1435G>A), located in coding exon 15 of the ERCC2 gene, results from a G to A substitution at nucleotide position 1435. The alanine at codon 479 is replaced by threonine, an amino acid with similar properties. This amino acid position is conserved. In addition, the in silico prediction for this alteration is inconclusive. Based on the available evidence, the clinical significance of this alteration remains unclear.